The following is an entry in ClinVar:

NM_138927.4(SON):c.2660C>T (p.Ala887Val)

Gene: SON (SON DNA and RNA binding protein; plus strand). Cytogenetic location: 21q22.11.
Variant type: single nucleotide variant.
Coding change: c.2660C>T on transcript NM_138927.4 (MANE Select); coding-DNA position 2660, C replaced by T.
Protein change: p.Ala887Val; replaces alanine 887 with valine.
Molecular consequence: missense variant. On other transcripts: non-coding transcript variant (1), intron variant (1).
Genome position (GRCh38, 1-based): chr21:33,551,891, C>T. VCF-style: chr21-33551891-C-T. GRCh37 (hg19) VCF-style: chr21-34924197-C-T.
Other names: c.2660C>T, p.Ala887Val (NM_001291411.2, NM_001412133.1, NM_032195.3 and 2 more transcripts); c.245-5265C>T (NM_001291412.3); short protein forms A887V.
Identifiers: ClinVar variation 2726691 (VCV002726691.3), dbSNP rs375491396, ClinGen allele CA10009148.

ClinVar aggregate classification (germline): Uncertain significance (1 of 4 stars; one submission).

Allele frequency attached by ClinVar (database versions not stated): gnomAD 0.00002; TOPMed 0.00003; gnomAD exomes 0.00006; ExAC 0.00007; ESP Exome Variant Server 0.00008.
gnomAD v4.1: 94 of 1,613,956 alleles (0.0058%); highest among the groups gnomAD compares: Non-Finnish European, 0.007%; no homozygotes.

Submission:

Labcorp Genetics (formerly Invitae), Labcorp
Classification: Uncertain significance. Last evaluated: 2024-09-29. Review status: criteria provided, single submitter. Criteria: Invitae Variant Classification Sherloc (09022015). Collection method: clinical testing. Allele origin: germline.
Comment: This sequence change replaces alanine, which is neutral and non-polar, with valine, which is neutral and non-polar, at codon 887 of the SON protein (p.Ala887Val). This variant is present in population databases (rs375491396, gnomAD 0.01%). This variant has not been reported in the literature in individuals affected with SON-related conditions. An algorithm developed to predict the effect of missense changes on protein structure and function (PolyPhen-2) suggests that this variant is likely to be disruptive. In summary, the available evidence is currently insufficient to determine the role of this variant in disease. Therefore, it has been classified as a Variant of Uncertain Significance.